The following is an entry in ClinVar:

ClinVar aggregate classification (germline): Conflicting classifications of pathogenicity. Review status: criteria provided, conflicting classifications (1 of 4 stars). 2 submissions from 2 submitters: Uncertain significance (1); Likely benign (1). Last evaluated 2026-08-17.

Conditions:
TTN-related disorder. Also called: TTN-related condition; TTN-related disease; TTN-related disorders.

Allele frequency attached by ClinVar (database versions not stated): gnomAD exomes 0.00003; ExAC 0.00005; TOPMed 0.00006; gnomAD 0.00007; 1000 Genomes Project 30x 0.00016; 1000 Genomes Project 0.00020.
gnomAD v4.1: 42 of 1,613,758 alleles (0.0026%); highest among the groups gnomAD compares: African/African-American, 0.024%; no homozygotes.

Submissions (2):

PreventionGenetics, part of Exact Sciences
Classification: Uncertain significance for TTN-related condition. Last evaluated: 2026-08-17. Review status: criteria provided, single submitter. Criteria: ACMG Guidelines, 2015. Collection method: clinical testing. Allele origin: germline.
Comment: The TTN c.12544G>A variant is predicted to result in the amino acid substitution p.Glu4182Lys. To our knowledge, this variant has not been reported in the literature. This variant is reported in 0.021% of alleles in individuals of African descent in gnomAD. At this time, the clinical significance of this variant is uncertain due to the absence of conclusive functional and genetic evidence.

GeneDx
Classification: Likely benign. Last evaluated: 2019-01-16. Review status: criteria provided, single submitter. Criteria: GeneDx Variant Classification Process June 2021. Collection method: clinical testing. Allele origin: germline. Affected: yes.

NM_001267550.2(TTN):c.12544G>A (p.Glu4182Lys)

Gene: TTN (titin; minus strand). Cytogenetic location: 2q31.2.
Variant type: single nucleotide variant.
Coding change: c.12544G>A on transcript NM_001267550.2 (MANE Select); coding-DNA position 12544, G replaced by A.
Protein change: p.Glu4182Lys; replaces glutamic acid 4182 with lysine.
Molecular consequence: missense variant. On other transcripts: intron variant (1).
Genome position (GRCh38, 1-based): chr2:178,740,689, C>T on the plus strand (G>A on the coding strand, the complement: TTN is on the minus strand). VCF-style: chr2-178740689-C-T. GRCh37 (hg19) VCF-style: chr2-179605416-C-T.
Other names: c.11593G>A, p.Glu3865Lys (NM_001256850.1); c.11455G>A, p.Glu3819Lys (NM_003319.4); c.11830G>A, p.Glu3944Lys (NM_133432.3); c.12031G>A, p.Glu4011Lys (NM_133437.4); c.10361-2329G>A (NM_133378.4); short protein forms E3819K, E3865K, E3944K, E4011K, E4182K.
Identifiers: ClinVar variation 1213260 (VCV001213260.4), dbSNP rs569444314, ClinGen allele CA2002699.